The following is an entry in ClinVar:

ClinVar aggregate classification (germline): Likely pathogenic (1 of 4 stars; one submission).

Conditions:
Charcot-Marie-Tooth disease type 2. Also called: Charcot-Marie-Tooth type 2. Identifiers: Orphanet 64746, MedGen C0270914, MONDO:0018993.

Submission:

Labcorp Genetics (formerly Invitae), Labcorp
Classification: Likely pathogenic for Charcot-Marie-Tooth disease type 2. Last evaluated: 2025-01-26. Review status: criteria provided, single submitter. Criteria: Invitae Variant Classification Sherloc (09022015). Collection method: clinical testing. Allele origin: germline.
Comment: This sequence change replaces arginine, which is basic and polar, with leucine, which is neutral and non-polar, at codon 48 of the LMNA protein (p.Arg48Leu). This variant is not present in population databases (gnomAD no frequency). This variant has not been reported in the literature in individuals affected with LMNA-related conditions. ClinVar contains an entry for this variant (Variation ID: 655012). Invitae Evidence Modeling of protein sequence and biophysical properties (such as structural, functional, and spatial information, amino acid conservation, physicochemical variation, residue mobility, and thermodynamic stability) indicates that this missense variant is expected to disrupt LMNA protein function with a positive predictive value of 95%. This variant disrupts the p.Arg48 amino acid residue in LMNA. Other variant(s) that disrupt this residue have been determined to be pathogenic (PMID: 26098624). This suggests that this residue is clinically significant, and that variants that disrupt this residue are likely to be disease-causing. In summary, the currently available evidence indicates that the variant is pathogenic, but additional data are needed to prove that conclusively. Therefore, this variant has been classified as Likely Pathogenic.

Literature cited by the submitters: PubMed 26098624.

NM_170707.4(LMNA):c.143G>T (p.Arg48Leu)

Gene: LMNA (lamin A/C; plus strand). Cytogenetic location: 1q22.
Variant type: single nucleotide variant.
Coding change: c.143G>T on transcript NM_170707.4 (MANE Select); coding-DNA position 143, G replaced by T.
Protein change: p.Arg48Leu; replaces arginine 48 with leucine.
Molecular consequence: missense variant.
Genome position (GRCh38, 1-based): chr1:156,115,061, G>T. VCF-style: chr1-156115061-G-T. GRCh37 (hg19) VCF-style: chr1-156084852-G-T.
Other names: c.143G>T, p.Arg48Leu (NM_001282625.2, NM_001282626.2, NM_005572.4 and 1 more transcripts); short protein forms R48L.
Identifiers: ClinVar variation 655012 (VCV000655012.3), dbSNP rs1572332235, ClinGen allele CA342807945.